The following is an entry in ClinVar:

ClinVar aggregate classification (germline): Conflicting classifications of pathogenicity. Review status: criteria provided, conflicting classifications (1 of 4 stars). 12 submissions from 12 submitters: Uncertain significance (6); Likely benign (2). 4 of the submissions do not count toward it. Last evaluated 2026-01-29.

Conditions:
Autoinflammatory syndrome. Identifiers: Orphanet 93665, MedGen C3890737, MONDO:0019751.
SLC7A7-related disorder. Also called: SLC7A7-related condition.
Lysinuric protein intolerance (LPI). Identifiers: Orphanet 470, MedGen C0268647, MONDO:0009109, OMIM 222700.

Allele frequency attached by ClinVar (database versions not stated): TOPMed 0.00040; gnomAD exomes 0.00043; ESP Exome Variant Server 0.00054; ExAC 0.00035; gnomAD 0.00038 and 0.00039.
gnomAD v4.1: 941 of 1,613,848 alleles (0.058%); highest among the groups gnomAD compares: Non-Finnish European, 0.073%; no homozygotes.

Submissions (12):

Labcorp Genetics (formerly Invitae), Labcorp
Classification: Likely benign for Lysinuric protein intolerance. Last evaluated: 2026-01-29. Review status: criteria provided, single submitter. Criteria: Invitae Variant Classification Sherloc (09022015). Collection method: clinical testing. Allele origin: germline.

PreventionGenetics, part of Exact Sciences
Classification: Likely benign for SLC7A7-related condition. Last evaluated: 2026-01-20. Review status: criteria provided, single submitter. Criteria: ACMG Guidelines, 2015. Collection method: clinical testing. Allele origin: germline.
Comment: This variant is classified as likely benign based on ACMG/AMP sequence variant interpretation guidelines (Richards et al. 2015 PMID: 25741868, with internal and published modifications).

Blueprint Genetics
Classification: Uncertain significance. Last evaluated: 2024-11-23. Review status: criteria provided, single submitter. Criteria: ACMG Guidelines, 2015. Collection method: clinical testing. Allele origin: germline.

Genome-Nilou Lab
Classification: Uncertain significance for Lysinuric protein intolerance. Last evaluated: 2021-11-07. Review status: criteria provided, single submitter. Criteria: ACMG Guidelines, 2015. Collection method: clinical testing. Allele origin: germline. Affected: no.

Genome Diagnostics Laboratory, The Hospital for Sick Children
Classification: Uncertain significance for Autoinflammatory syndrome. Last evaluated: 2021-02-18. Review status: criteria provided, single submitter. Criteria: ACMG Guidelines, 2015. Collection method: clinical testing. Allele origin: germline. Affected: yes.

GeneDx
Classification: Uncertain significance. Last evaluated: 2020-06-04. Review status: criteria provided, single submitter. Criteria: GeneDx Variant Classification Process June 2021. Collection method: clinical testing. Allele origin: germline. Affected: yes.
Comment: Has not been previously published as pathogenic or benign to our knowledge; In-silico analysis, which includes splice predictors and evolutionary conservation, is inconclusive as to whether the variant alters gene splicing. In the absence of RNA/functional studies, the actual effect of this sequence change is unknown.

Illumina Laboratory Services, Illumina
Classification: Uncertain significance for Lysinuric protein intolerance. Last evaluated: 2017-04-27. Review status: criteria provided, single submitter. Criteria: ICSL Variant Classification Criteria 13 December 2019. Collection method: clinical testing. Allele origin: germline.
Comment: This variant was observed as part of a predisposition screen in an ostensibly healthy population. A literature search was performed for the gene, cDNA change, and amino acid change (where applicable). Publications were found based on this search. However, the evidence from the literature, in combination with allele frequency data from public databases where available, was not sufficient to rule this variant in or out of causing disease. Therefore, this variant is classified as a variant of unknown significance.

Breakthrough Genomics
Classification: Uncertain significance. Review status: criteria provided, single submitter. Criteria: ACMG Guidelines, 2015. Collection method: not provided. Allele origin: germline. Inheritance: Autosomal recessive inheritance. Affected: yes.

Natera, Inc.
Classification: Uncertain significance for Lysinuric protein intolerance. Last evaluated: 2020-01-16. Review status: no assertion criteria provided. Collection method: clinical testing. Allele origin: germline. Not counted in ClinVar's aggregate classification.

Clinical Genetics DNA and cytogenetics Diagnostics Lab, Erasmus MC, Erasmus Medical Center
Classification: Likely benign. Review status: no assertion criteria provided. Collection method: clinical testing. Allele origin: germline. Affected: yes. Study: VKGL Data-share Consensus. Not counted in ClinVar's aggregate classification.

Diagnostic Laboratory, Department of Genetics, University Medical Center Groningen
Classification: Likely benign. Review status: no assertion criteria provided. Collection method: clinical testing. Allele origin: germline. Affected: yes. Study: VKGL Data-share Consensus. Not counted in ClinVar's aggregate classification.

Genome Diagnostics Laboratory, University Medical Center Utrecht
Classification: Likely benign. Review status: no assertion criteria provided. Collection method: clinical testing. Allele origin: germline. Affected: yes. Study: VKGL Data-share Consensus. Not counted in ClinVar's aggregate classification.

Literature cited by the submitters: PubMed 15776427 (cited by Illumina Laboratory Services, Illumina).

NM_003982.4(SLC7A7):c.999G>A (p.Arg333=)

Gene: SLC7A7 (solute carrier family 7 member 7; minus strand). Cytogenetic location: 14q11.2.
Variant type: single nucleotide variant.
Coding change: c.999G>A on transcript NM_003982.4 (MANE Select); coding-DNA position 999, G replaced by A.
Protein change: p.Arg333=; no amino-acid change (arginine 333 retained).
Molecular consequence: synonymous variant.
Genome position (GRCh38, 1-based): chr14:22,775,540, C>T on the plus strand (G>A on the coding strand, the complement: SLC7A7 is on the minus strand). VCF-style: chr14-22775540-C-T. GRCh37 (hg19) VCF-style: chr14-23244749-C-T.
Other names: c.999G>A, p.Arg333= (NM_001126105.3, NM_001126106.4).
Identifiers: ClinVar variation 426739 (VCV000426739.29), dbSNP rs146720775, ClinGen allele CA7104508.